The following is an entry in ClinVar:

ClinVar aggregate classification (germline): Uncertain significance (1 of 4 stars; one submission).

Conditions:
Inborn genetic diseases. Identifiers: MedGen C0950123, MeSH D030342.

Submission:

Ambry Genetics
Classification: Uncertain significance for Inborn genetic diseases. Last evaluated: 2024-05-10. Review status: criteria provided, single submitter. Criteria: Ambry Variant Classification Scheme 2023. Collection method: clinical testing. Allele origin: germline.
Comment: The p.P426Q variant (also known as c.1277C>A), located in coding exon 13 of the ERCC2 gene, results from a C to A substitution at nucleotide position 1277. The proline at codon 426 is replaced by glutamine, an amino acid with similar properties. This amino acid position is conserved. In addition, this alteration is predicted to be deleterious by in silico analysis. Based on the available evidence, the clinical significance of this variant remains unclear.

NM_000400.4(ERCC2):c.1277C>A (p.Pro426Gln)

Gene: ERCC2 (ERCC excision repair 2, TFIIH core complex helicase subunit; minus strand). Cytogenetic location: 19q13.32.
Variant type: single nucleotide variant.
Coding change: c.1277C>A on transcript NM_000400.4 (MANE Select); coding-DNA position 1277, C replaced by A.
Protein change: p.Pro426Gln; replaces proline 426 with glutamine.
Molecular consequence: missense variant.
Genome position (GRCh38, 1-based): chr19:45,357,660, G>T on the plus strand (C>A on the coding strand, the complement: ERCC2 is on the minus strand). VCF-style: chr19-45357660-G-T. GRCh37 (hg19) VCF-style: chr19-45860918-G-T.
Other names: short protein forms P426Q.
Identifiers: ClinVar variation 3276240 (VCV003276240.1).